The following is an entry in ClinVar:

ClinVar aggregate classification (germline): Uncertain significance (1 of 4 stars; one submission).

Allele frequency attached by ClinVar (database versions not stated): gnomAD exomes below 0.00001.
gnomAD v4.1: 4 of 1,613,884 alleles (0.00025%); highest among the groups gnomAD compares: Non-Finnish European, 0.00034%; no homozygotes.

Submission:

Labcorp Genetics (formerly Invitae), Labcorp
Classification: Uncertain significance. Last evaluated: 2023-05-22. Review status: criteria provided, single submitter. Criteria: Invitae Variant Classification Sherloc (09022015). Collection method: clinical testing. Allele origin: germline.
Comment: This sequence change replaces isoleucine, which is neutral and non-polar, with valine, which is neutral and non-polar, at codon 705 of the MYH3 protein (p.Ile705Val). This variant is present in population databases (no rsID available, gnomAD 0.0009%). This variant has not been reported in the literature in individuals affected with MYH3-related conditions. Advanced modeling of protein sequence and biophysical properties (such as structural, functional, and spatial information, amino acid conservation, physicochemical variation, residue mobility, and thermodynamic stability) performed at Invitae indicates that this missense variant is not expected to disrupt MYH3 protein function. In summary, the available evidence is currently insufficient to determine the role of this variant in disease. Therefore, it has been classified as a Variant of Uncertain Significance.

NM_002470.4(MYH3):c.2113A>G (p.Ile705Val)

Gene: MYH3 (myosin heavy chain 3; minus strand). Cytogenetic location: 17p13.1.
Variant type: single nucleotide variant.
Coding change: c.2113A>G on transcript NM_002470.4 (MANE Select); coding-DNA position 2113, A replaced by G.
Protein change: p.Ile705Val; replaces isoleucine 705 with valine.
Molecular consequence: missense variant.
Genome position (GRCh38, 1-based): chr17:10,641,137, T>C on the plus strand (A>G on the coding strand, the complement: MYH3 is on the minus strand). VCF-style: chr17-10641137-T-C. GRCh37 (hg19) VCF-style: chr17-10544454-T-C.
Other names: short protein forms I705V.
Identifiers: ClinVar variation 2867108 (VCV002867108.3), dbSNP rs1190309308, ClinGen allele CA398166547.